The following is an entry in ClinVar:

NM_018834.6(MATR3):c.2371+11A>T

Gene: MATR3 (matrin 3; plus strand). Cytogenetic location: 5q31.2.
Variant type: single nucleotide variant.
Coding change: c.2371+11A>T on transcript NM_018834.6 (MANE Select); 11 bases into the intron after coding-DNA position 2371, A replaced by T.
Molecular consequence: intron variant.
Genome position (GRCh38, 1-based): chr5:139,325,673, A>T. VCF-style: chr5-139325673-A-T. GRCh37 (hg19) VCF-style: chr5-138661362-A-T.
Other names: c.2371+11A>T (NM_001400451.1, NM_001400450.1, NM_001400455.1 and 11 more transcripts); c.2515+11A>T (NM_001400441.1, NM_001400444.1, NM_001400442.1 and 2 more transcripts); c.1510+11A>T (NM_001400459.1); c.1357+11A>T (NM_001400463.1, NM_001282278.2, NM_001400462.1 and 4 more transcripts); c.1501+11A>T (NM_001400460.1); c.1471+11A>T (NM_001400461.1); c.1507+11A>T (NM_001194956.2).
Identifiers: ClinVar variation 4525749 (VCV004525749.1).

ClinVar aggregate classification (germline): Likely benign (1 of 4 stars; one submission).

Submission:

Women's Health and Genetics/Laboratory Corporation of America, LabCorp
Classification: Likely benign. Last evaluated: 2025-07-21. Review status: criteria provided, single submitter. Criteria: LabCorp Variant Classification Summary - May 2015. Collection method: clinical testing. Allele origin: germline.
Comment: Variant summary: MATR3 c.2371+11A>T alters a non-conserved nucleotide located at a position not widely known to affect splicing. Consensus agreement among computation tools predict no significant impact on normal splicing. However, these predictions have yet to be confirmed by functional studies. The variant was absent in 251204 control chromosomes. The available data on variant occurrences in the general population are insufficient to allow any conclusion about variant significance. To our knowledge, no occurrence of c.2371+11A>T in individuals affected with Amyotrophic lateral sclerosis type 1 and no experimental evidence demonstrating its impact on protein function have been reported. No submitters have cited clinical-significance assessments for this variant to ClinVar. Based on the evidence outlined above, the variant was classified as likely benign.